The following is an entry in ClinVar:

ClinVar aggregate classification (germline): Likely pathogenic (1 of 4 stars; one submission).

Conditions:
Ehlers-Danlos syndrome, classic type, 1 (EDSCL1). Also called: EHLERS-DANLOS SYNDROME, GRAVIS TYPE; EHLERS-DANLOS SYNDROME, SEVERE CLASSIC TYPE; Ehlers-Danlos syndrome, type 1; EDS I; Ehlers-Danlos Syndrome, Classic Type, COL5A1-Related. Identifiers: MedGen C0268335, MONDO:0019567, OMIM 130000.

Submission:

Labcorp Genetics (formerly Invitae), Labcorp
Classification: Likely pathogenic for Ehlers-Danlos syndrome, classic type, 1. Last evaluated: 2022-06-22. Review status: criteria provided, single submitter. Criteria: Invitae Variant Classification Sherloc (09022015). Collection method: clinical testing. Allele origin: germline.
Comment: This sequence change affects an acceptor splice site in intron 32 of the COL5A1 gene. It is expected to disrupt RNA splicing. Variants that disrupt the donor or acceptor splice site typically lead to a loss of protein function (PMID: 16199547), and loss-of-function variants in COL5A1 are known to be pathogenic (PMID: 23587214). In summary, the currently available evidence indicates that the variant is pathogenic, but additional data are needed to prove that conclusively. Therefore, this variant has been classified as Likely Pathogenic. Algorithms developed to predict the effect of sequence changes on RNA splicing suggest that this variant may disrupt the consensus splice site. This variant has not been reported in the literature in individuals affected with COL5A1-related conditions. This variant is not present in population databases (gnomAD no frequency).

Literature cited by the submitters: PubMed 16199547; PubMed 23587214.

NM_000093.5(COL5A1):c.2701-1G>A

Gene: COL5A1 (collagen type V alpha 1 chain; plus strand). Cytogenetic location: 9q34.3.
Variant type: single nucleotide variant.
Coding change: c.2701-1G>A on transcript NM_000093.5 (MANE Select); the canonical splice acceptor site of the intron before coding-DNA position 2701, G replaced by A.
Molecular consequence: splice acceptor variant.
Genome position (GRCh38, 1-based): chr9:134,795,081, G>A. VCF-style: chr9-134795081-G-A. GRCh37 (hg19) VCF-style: chr9-137686927-G-A.
Other names: c.2701-1G>A (NM_001278074.1).
Identifiers: ClinVar variation 2009109 (VCV002009109.4), dbSNP rs2490761744, ClinGen allele CA375456450.